The following is an entry in ClinVar:

NM_000038.6(APC):c.4153A>G (p.Ser1385Gly)

Gene: APC (APC regulator of Wnt signaling pathway; plus strand). Cytogenetic location: 5q22.2.
Variant type: single nucleotide variant.
Coding change: c.4153A>G on transcript NM_000038.6 (MANE Select); coding-DNA position 4153, A replaced by G.
Protein change: p.Ser1385Gly; replaces serine 1385 with glycine.
Molecular consequence: missense variant.
Genome position (GRCh38, 1-based): chr5:112,839,747, A>G. VCF-style: chr5-112839747-A-G. GRCh37 (hg19) VCF-style: chr5-112175444-A-G.
Other names: c.4153A>G, p.Ser1385Gly (NM_001127510.3, NM_001354895.2, NM_001407450.1); c.4099A>G, p.Ser1367Gly (NM_001127511.3); c.4207A>G, p.Ser1403Gly (NM_001354896.2, NM_001407447.1, NM_001407448.1 and 1 more transcripts); c.4183A>G, p.Ser1395Gly (NM_001354897.2); c.4078A>G, p.Ser1360Gly (NM_001354898.2); c.4069A>G, p.Ser1357Gly (NM_001354899.2); c.4030A>G, p.Ser1344Gly (NM_001354900.2); c.3976A>G, p.Ser1326Gly (NM_001354901.2, NM_001407453.1); and 11 more; short protein forms S1284G, S1385G, S1395G, S1403G, S1225G, S1302G, S1344G, S1357G.
Identifiers: ClinVar variation 1738278 (VCV001738278.2), dbSNP rs1580644716, ClinGen allele CA16030430.

ClinVar aggregate classification (germline): Uncertain significance (1 of 4 stars; one submission).

Conditions:
Hereditary cancer-predisposing syndrome. Also called: Neoplastic Syndromes, Hereditary; Tumor predisposition; Hereditary Cancer Syndrome; Hereditary neoplastic syndrome. Identifiers: Orphanet 140162, MedGen C0027672, MeSH D009386, MONDO:0015356.

Submission:

Ambry Genetics
Classification: Uncertain significance for Hereditary cancer-predisposing syndrome. Last evaluated: 2021-03-31. Review status: criteria provided, single submitter. Criteria: Ambry Variant Classification Scheme 2023. Collection method: clinical testing. Allele origin: germline.
Comment: The p.S1385G variant (also known as c.4153A>G), located in coding exon 15 of the APC gene, results from an A to G substitution at nucleotide position 4153. The serine at codon 1385 is replaced by glycine, an amino acid with similar properties. This amino acid position is highly conserved in available vertebrate species. In addition, in silico predictors for this gene do not accurately predict pathogenicity. Since supporting evidence is limited at this time, the clinical significance of this alteration remains unclear.